The following is an entry in ClinVar:

ClinVar aggregate classification (germline): Uncertain significance (1 of 4 stars; one submission).

Conditions:
Familial temporal lobe epilepsy 7. Identifiers: Orphanet 101046, MedGen C4225327, MONDO:0014639, OMIM 616436.
Norman-Roberts syndrome (LIS2). Also called: Lissencephaly 2 (Norman-Roberts type). Identifiers: Orphanet 89844, MedGen C0796089, MONDO:0009760, OMIM 257320.

Submission:

Juno Genomics, Hangzhou Juno Genomics, Inc
Classification: Uncertain significance for Familial temporal lobe epilepsy 7; Norman-Roberts syndrome. Review status: criteria provided, single submitter. Criteria: ACMG Guidelines, 2015. Collection method: clinical testing. Allele origin: germline.
Comment: Missense variant in a gene that has a low rate of benign missense variation.;Multiple lines of computational evidence support a deleterious effect on the gene or gene product.;Absent from controls (or at extremely low frequency if recessive) in Genome Aggregation Database.

NM_005045.4(RELN):c.7975C>T (p.Leu2659Phe)

Gene: RELN (reelin; minus strand). Cytogenetic location: 7q22.1.
Variant type: single nucleotide variant.
Coding change: c.7975C>T on transcript NM_005045.4 (MANE Select); coding-DNA position 7975, C replaced by T.
Protein change: p.Leu2659Phe; replaces leucine 2659 with phenylalanine.
Molecular consequence: missense variant.
Genome position (GRCh38, 1-based): chr7:103,515,329, G>A on the plus strand (C>T on the coding strand, the complement: RELN is on the minus strand). VCF-style: chr7-103515329-G-A. GRCh37 (hg19) VCF-style: chr7-103155776-G-A.
Other names: c.7975C>T, p.Leu2659Phe (NM_173054.3); short protein forms L2659F.
Identifiers: ClinVar variation 5007119 (VCV005007119.2).